The following is an entry in ClinVar:

NM_016599.5(MYOZ2):c.36A>C (p.Lys12Asn)

Gene: MYOZ2 (myozenin 2; plus strand). Cytogenetic location: 4q26.
Variant type: single nucleotide variant.
Coding change: c.36A>C on transcript NM_016599.5 (MANE Select); coding-DNA position 36, A replaced by C.
Protein change: p.Lys12Asn; replaces lysine 12 with asparagine.
Molecular consequence: missense variant.
Genome position (GRCh38, 1-based): chr4:119,136,561, A>C. VCF-style: chr4-119136561-A-C. GRCh37 (hg19) VCF-style: chr4-120057716-A-C.
Other names: short protein forms K12N.
Identifiers: ClinVar variation 1493383 (VCV001493383.6), dbSNP rs775592981, ClinGen allele CA104969015.

ClinVar aggregate classification (germline): Uncertain significance (1 of 4 stars; one submission).

Conditions:
Hypertrophic cardiomyopathy. Also called: HYPERTROPHIC MYOCARDIOPATHY. Identifiers: Orphanet 217569, MedGen C0007194, MeSH D002312, MONDO:0005045, HP:0001639.

Allele frequency attached by ClinVar (database versions not stated): TOPMed below 0.00001.
gnomAD v4.1: 12 of 1,613,698 alleles (0.00074%); highest among the groups gnomAD compares: Admixed American, 0.0033%; no homozygotes.

Submission:

Labcorp Genetics (formerly Invitae), Labcorp
Classification: Uncertain significance for Hypertrophic cardiomyopathy. Last evaluated: 2021-10-08. Review status: criteria provided, single submitter. Criteria: Invitae Variant Classification Sherloc (09022015). Collection method: clinical testing. Allele origin: germline.
Comment: In summary, the available evidence is currently insufficient to determine the role of this variant in disease. Therefore, it has been classified as a Variant of Uncertain Significance. Algorithms developed to predict the effect of missense changes on protein structure and function (SIFT, PolyPhen-2, Align-GVGD) all suggest that this variant is likely to be disruptive. This missense change has been observed in individual(s) with hypertrophic cardiomyopathy (PMID: 27600940). This variant is not present in population databases (ExAC no frequency). This sequence change replaces lysine with asparagine at codon 12 of the MYOZ2 protein (p.Lys12Asn). The lysine residue is highly conserved and there is a moderate physicochemical difference between lysine and asparagine.

Literature cited by the submitters: PubMed 27600940.